The following is an entry in ClinVar:

NM_004360.5(CDH1):c.1889T>G (p.Leu630Arg)

Gene: CDH1 (cadherin 1; plus strand). Cytogenetic location: 16q22.1.
Variant type: single nucleotide variant.
Coding change: c.1889T>G on transcript NM_004360.5 (MANE Select); coding-DNA position 1889, T replaced by G.
Protein change: p.Leu630Arg; replaces leucine 630 with arginine.
Molecular consequence: missense variant. On other transcripts: 5 prime UTR variant (1).
Genome position (GRCh38, 1-based): chr16:68,822,178, T>G. VCF-style: chr16-68822178-T-G. GRCh37 (hg19) VCF-style: chr16-68856081-T-G.
Other names: c.1706T>G, p.Leu569Arg (NM_001317184.2); c.341T>G, p.Leu114Arg (NM_001317185.2); c.-77T>G (NM_001317186.2); short protein forms L114R, L569R, L630R.
Identifiers: ClinVar variation 3894457 (VCV003894457.1).
Genomic context (GRCh38, chr16:68,822,178, plus strand): 5'-AGGTCATAAACATCATTGATGCAGACCTTCCTCCCAATACATCTCCCTTCACAGCAGAAC[T>G]AACACACGGGGCGAGTGCCAACTGGACCATTCAGTACAACGACCCAAGTGGGTACCTGAG-3'
Protein context (NP_004351.1, residues 620-640): PPNTSPFTAE[Leu630Arg]THGASANWTI

ClinVar aggregate classification (germline): Uncertain significance (1 of 4 stars; one submission).

Conditions:
Hereditary cancer-predisposing syndrome. Also called: Neoplastic Syndromes, Hereditary; Tumor predisposition; Hereditary Cancer Syndrome; Hereditary neoplastic syndrome. Identifiers: Orphanet 140162, MedGen C0027672, MeSH D009386, MONDO:0015356.

Submission:

Color Diagnostics, LLC DBA Color Health
Classification: Uncertain significance for Hereditary cancer-predisposing syndrome. Last evaluated: 2024-01-28. Review status: criteria provided, single submitter. Criteria: ACMG Guidelines, 2015. Collection method: clinical testing. Allele origin: germline.
Comment: This missense variant replaces leucine with arginine at codon 630 of the CDH1 protein. To our knowledge, functional studies have not been reported for this variant. This variant has not been reported in individuals affected with CDH1-related disorders in the literature. This variant has not been identified in the general population by the Genome Aggregation Database (gnomAD). The available evidence is insufficient to determine the role of this variant in disease conclusively. Therefore, this variant is classified as a Variant of Uncertain Significance.